The following is an entry in ClinVar:

NM_002900.3(RBP3):c.1163G>A (p.Arg388Gln)

Gene: RBP3 (retinol binding protein 3; plus strand). Cytogenetic location: 10q11.22.
Variant type: single nucleotide variant.
Coding change: c.1163G>A on transcript NM_002900.3 (MANE Select); coding-DNA position 1163, G replaced by A.
Protein change: p.Arg388Gln; replaces arginine 388 with glutamine.
Molecular consequence: missense variant.
Genome position (GRCh38, 1-based): chr10:47,349,647, G>A. VCF-style: chr10-47349647-G-A. GRCh37 (hg19) VCF-style: chr10-48389715-C-T.
Other names: c.1163G>A (NM_002900.2); short protein forms R388Q.
Identifiers: ClinVar variation 1448074 (VCV001448074.7), dbSNP rs141006781, ClinGen allele CA5487593.
Genomic context (GRCh38, chr10:47,349,647, plus strand): 5'-TGGTCACCAAGCTCAATGCCGGCCTGCAGGCTGCGTCTGAGGATCCCAGGCTCCTGGTGC[G>A]AGCCATCGGGCCCACAGAAACTCCTTCTTGGCCCGCGCCCGACGCTGCAGCCGAAGACTC-3'
Protein context (NP_002891.1, residues 378-398): AASEDPRLLV[Arg388Gln]AIGPTETPSW

ClinVar aggregate classification (germline): Uncertain significance. Review status: criteria provided, multiple submitters, no conflicts (2 of 4 stars). 4 submissions from 4 submitters: Uncertain significance (4). Last evaluated 2024-11-05.

Conditions:
Inborn genetic diseases. Identifiers: MedGen C0950123, MeSH D030342.
Retinal dystrophy. Also called: Inherited retinal dystrophy. Identifiers: Orphanet 71862, MedGen C0854723, MeSH D058499, MONDO:0019118, HP:0000556.

Allele frequency attached by ClinVar (database versions not stated): gnomAD 0.00001; gnomAD exomes 0.00003 and 0.00010; TOPMed 0.00005; ExAC 0.00014; 1000 Genomes Project 30x 0.00016; 1000 Genomes Project 0.00020.
gnomAD v4.1: 38 of 1,612,298 alleles (0.0024%); highest among the groups gnomAD compares: Admixed American, 0.04%; no homozygotes.

Submissions (4):

Labcorp Genetics (formerly Invitae), Labcorp
Classification: Uncertain significance. Last evaluated: 2024-11-05. Review status: criteria provided, single submitter. Criteria: Invitae Variant Classification Sherloc (09022015). Collection method: clinical testing. Allele origin: germline.
Comment: This sequence change replaces arginine, which is basic and polar, with glutamine, which is neutral and polar, at codon 388 of the RBP3 protein (p.Arg388Gln). This variant is present in population databases (rs141006781, gnomAD 0.06%). This variant has not been reported in the literature in individuals affected with RBP3-related conditions. ClinVar contains an entry for this variant (Variation ID: 1448074). Invitae Evidence Modeling of protein sequence and biophysical properties (such as structural, functional, and spatial information, amino acid conservation, physicochemical variation, residue mobility, and thermodynamic stability) indicates that this missense variant is not expected to disrupt RBP3 protein function with a negative predictive value of 80%. In summary, the available evidence is currently insufficient to determine the role of this variant in disease. Therefore, it has been classified as a Variant of Uncertain Significance.

Dept Of Ophthalmology, Nagoya University
Classification: Uncertain significance for Retinal dystrophy. Last evaluated: 2023-10-01. Review status: criteria provided, single submitter. Criteria: Submitter's publication. Collection method: research. Allele origin: germline. Affected: yes.

Ambry Genetics
Classification: Uncertain significance for Inborn genetic diseases. Last evaluated: 2021-11-22. Review status: criteria provided, single submitter. Criteria: Ambry Variant Classification Scheme 2023. Collection method: clinical testing. Allele origin: germline.

Blueprint Genetics
Classification: Uncertain significance. Last evaluated: 2017-11-20. Review status: criteria provided, single submitter. Criteria: ACMG Guidelines, 2015. Collection method: clinical testing. Allele origin: germline.